The following is an entry in ClinVar:

NM_002471.4(MYH6):c.5803A>G (p.Met1935Val)

Gene: MYH6 (myosin heavy chain 6; minus strand). Cytogenetic location: 14q11.2.
Variant type: single nucleotide variant.
Coding change: c.5803A>G on transcript NM_002471.4 (MANE Select); coding-DNA position 5803, A replaced by G.
Protein change: p.Met1935Val; replaces methionine 1935 with valine.
Molecular consequence: missense variant.
Genome position (GRCh38, 1-based): chr14:23,382,057, T>C on the plus strand (A>G on the coding strand, the complement: MYH6 is on the minus strand). VCF-style: chr14-23382057-T-C. GRCh37 (hg19) VCF-style: chr14-23851266-T-C.
Other names: short protein forms M1935V.
Identifiers: ClinVar variation 3648976 (VCV003648976.2).

ClinVar aggregate classification (germline): Uncertain significance (1 of 4 stars; one submission).

Conditions:
Hypertrophic cardiomyopathy 14. Identifiers: MedGen C2750467, MONDO:0013197, OMIM 613251.

Submission:

Labcorp Genetics (formerly Invitae), Labcorp
Classification: Uncertain significance for Hypertrophic cardiomyopathy 14. Last evaluated: 2024-04-06. Review status: criteria provided, single submitter. Criteria: Invitae Variant Classification Sherloc (09022015). Collection method: clinical testing. Allele origin: germline.
Comment: This sequence change replaces methionine, which is neutral and non-polar, with valine, which is neutral and non-polar, at codon 1935 of the MYH6 protein (p.Met1935Val). This variant is not present in population databases (gnomAD no frequency). This variant has not been reported in the literature in individuals affected with MYH6-related conditions. An algorithm developed to predict the effect of missense changes on protein structure and function (PolyPhen-2) suggests that this variant is likely to be tolerated. In summary, the available evidence is currently insufficient to determine the role of this variant in disease. Therefore, it has been classified as a Variant of Uncertain Significance.